The following is an entry in ClinVar:

NM_006231.4(POLE):c.897G>A (p.Met299Ile)

Gene: POLE (DNA polymerase epsilon, catalytic subunit; minus strand). Cytogenetic location: 12q24.33.
Variant type: single nucleotide variant.
Coding change: c.897G>A on transcript NM_006231.4 (MANE Select); coding-DNA position 897, G replaced by A.
Protein change: p.Met299Ile; replaces methionine 299 with isoleucine.
Molecular consequence: missense variant.
Genome position (GRCh38, 1-based): chr12:132,676,558, C>T on the plus strand (G>A on the coding strand, the complement: POLE is on the minus strand). VCF-style: chr12-132676558-C-T. GRCh37 (hg19) VCF-style: chr12-133253144-C-T.
Other names: short protein forms M299I.
Identifiers: ClinVar variation 1441826 (VCV001441826.7), dbSNP rs2136015510, ClinGen allele CA387364176.

ClinVar aggregate classification (germline): Uncertain significance. Review status: criteria provided, multiple submitters, no conflicts (2 of 4 stars). 2 submissions from 2 submitters: Uncertain significance (2). Last evaluated 2023-07-21.

Conditions:
Hereditary cancer-predisposing syndrome. Also called: Tumor predisposition; Hereditary Cancer Syndrome; Hereditary neoplastic syndrome; Neoplastic Syndromes, Hereditary. Identifiers: Orphanet 140162, MedGen C0027672, MeSH D009386, MONDO:0015356.

Submissions (2):

Labcorp Genetics (formerly Invitae), Labcorp
Classification: Uncertain significance. Last evaluated: 2023-07-21. Review status: criteria provided, single submitter. Criteria: Invitae Variant Classification Sherloc (09022015). Collection method: clinical testing. Allele origin: germline.
Comment: This variant has not been reported in the literature in individuals affected with POLE-related conditions. This sequence change replaces methionine, which is neutral and non-polar, with isoleucine, which is neutral and non-polar, at codon 299 of the POLE protein (p.Met299Ile). This variant is not present in population databases (gnomAD no frequency). ClinVar contains an entry for this variant (Variation ID: 1441826). Advanced modeling of protein sequence and biophysical properties (such as structural, functional, and spatial information, amino acid conservation, physicochemical variation, residue mobility, and thermodynamic stability) performed at Invitae indicates that this missense variant is expected to disrupt POLE protein function. In summary, the available evidence is currently insufficient to determine the role of this variant in disease. Therefore, it has been classified as a Variant of Uncertain Significance.

Ambry Genetics
Classification: Uncertain significance for Hereditary cancer-predisposing syndrome. Last evaluated: 2021-04-26. Review status: criteria provided, single submitter. Criteria: Ambry Variant Classification Scheme 2023. Collection method: clinical testing. Allele origin: germline.
Comment: The p.M299I variant (also known as c.897G>A), located in coding exon 9 of the POLE gene, results from a G to A substitution at nucleotide position 897. The methionine at codon 299 is replaced by isoleucine, an amino acid with highly similar properties. This amino acid position is highly conserved in available vertebrate species. In addition, the in silico prediction for this alteration is inconclusive. Since supporting evidence is limited at this time, the clinical significance of this alteration remains unclear.